The following is an entry in ClinVar:

NM_001308319.2(CHD9):c.2878-8A>T

Gene: CHD9 (chromodomain helicase DNA binding protein 9; plus strand). Cytogenetic location: 16q12.2.
Variant type: single nucleotide variant.
Coding change: c.2878-8A>T on transcript NM_001308319.2 (MANE Select); 8 bases into the intron before coding-DNA position 2878, A replaced by T.
Molecular consequence: intron variant.
Genome position (GRCh38, 1-based): chr16:53,242,832, A>T. VCF-style: chr16-53242832-A-T. GRCh37 (hg19) VCF-style: chr16-53276744-A-T.
Other names: c.2878-8A>T (NM_025134.7, NM_001382353.1, NM_001352127.3); c.1456-8A>T (NM_001352156.3, NM_001352157.3); c.1357-8A>T (NM_001382354.1, NM_001352158.3, NM_001382355.1).
Identifiers: ClinVar variation 4281310 (VCV004281310.7).

ClinVar aggregate classification (germline): Likely benign (1 of 4 stars; one submission).

gnomAD v4.1: 47 of 1,595,326 alleles (0.0029%); highest among the groups gnomAD compares: Non-Finnish European, 0.0037%; no homozygotes.

Submission:

CeGaT Center for Human Genetics Tuebingen
Classification: Likely benign. Last evaluated: 2025-09-01. Review status: criteria provided, single submitter. Criteria: CeGaT Center For Human Genetics Tuebingen Variant Classification Criteria Version 2. Collection method: clinical testing. Allele origin: germline. Affected: yes. Observed: 1 variant allele.
Comment: CHD9: BP4